The following is an entry in ClinVar:

NM_000551.4(VHL):c.48G>C (p.Glu16Asp)

Gene: VHL (von Hippel-Lindau tumor suppressor; plus strand). Cytogenetic location: 3p25.3.
Variant type: single nucleotide variant.
Coding change: c.48G>C on transcript NM_000551.4 (MANE Select); coding-DNA position 48, G replaced by C.
Protein change: p.Glu16Asp; replaces glutamic acid 16 with aspartic acid.
Molecular consequence: missense variant.
Genome position (GRCh38, 1-based): chr3:10,141,895, G>C. VCF-style: chr3-10141895-G-C. GRCh37 (hg19) VCF-style: chr3-10183579-G-C.
Other names: c.48G>C, p.Glu16Asp (NM_001354723.2, NM_198156.3); short protein forms E16D.
Identifiers: ClinVar variation 526667 (VCV000526667.11), dbSNP rs1057522140, ClinGen allele CA351747226.

ClinVar aggregate classification (germline): Uncertain significance. Review status: criteria provided, multiple submitters, no conflicts (2 of 4 stars). 2 submissions from 2 submitters: Uncertain significance (2). Last evaluated 2026-01-15.

Conditions:
Hereditary cancer-predisposing syndrome. Also called: Neoplastic Syndromes, Hereditary; Tumor predisposition; Hereditary neoplastic syndrome; Hereditary Cancer Syndrome. Identifiers: Orphanet 140162, MedGen C0027672, MeSH D009386, MONDO:0015356.
Chuvash polycythemia. Also called: POLYCYTHEMIA, VHL-DEPENDENT. Identifiers: Orphanet 238557, MedGen C1837915, MONDO:0009892, OMIM 263400.
Von Hippel-Lindau syndrome (VHLS). Also called: von Hippel–Lindau syndrome; VHL syndrome; Von Hippel-Lindau. Identifiers: Orphanet 892, MedGen C0019562, MONDO:0008667, OMIM 193300. Disease mechanism: loss of function.

Submissions (2):

Labcorp Genetics (formerly Invitae), Labcorp
Classification: Uncertain significance for Von Hippel-Lindau syndrome; Chuvash polycythemia. Last evaluated: 2026-01-15. Review status: criteria provided, single submitter. Criteria: Invitae Variant Classification Sherloc (09022015). Collection method: clinical testing. Allele origin: germline.
Comment: This sequence change replaces glutamic acid, which is acidic and polar, with aspartic acid, which is acidic and polar, at codon 16 of the VHL protein (p.Glu16Asp). This variant is not present in population databases (gnomAD no frequency). This variant has not been reported in the literature in individuals affected with VHL-related conditions. ClinVar contains an entry for this variant (Variation ID: 526667). Invitae Evidence Modeling of protein sequence and biophysical properties (such as structural, functional, and spatial information, amino acid conservation, physicochemical variation, residue mobility, and thermodynamic stability) indicates that this missense variant is not expected to disrupt VHL protein function with a negative predictive value of 95%. In summary, the available evidence is currently insufficient to determine the role of this variant in disease. Therefore, it has been classified as a Variant of Uncertain Significance.

Ambry Genetics
Classification: Uncertain significance for Hereditary cancer-predisposing syndrome. Last evaluated: 2023-08-09. Review status: criteria provided, single submitter. Criteria: Ambry Variant Classification Scheme 2023. Collection method: clinical testing. Allele origin: germline.
Comment: The p.E16D variant (also known as c.48G>C), located in coding exon 1 of the VHL gene, results from a G to C substitution at nucleotide position 48. The glutamic acid at codon 16 is replaced by aspartic acid, an amino acid with highly similar properties. This amino acid position is well conserved in available vertebrate species. In addition, this alteration is predicted to be tolerated by in silico analysis. Since supporting evidence is limited at this time, the clinical significance of this alteration remains unclear.